The following is an entry in ClinVar:

NM_181882.3(PRX):c.1714G>A (p.Val572Met)

Gene: PRX (periaxin; minus strand). Cytogenetic location: 19q13.2.
Variant type: single nucleotide variant.
Coding change: c.1714G>A on transcript NM_181882.3 (MANE Select); coding-DNA position 1714, G replaced by A.
Protein change: p.Val572Met; replaces valine 572 with methionine.
Molecular consequence: missense variant. On other transcripts: 3 prime UTR variant (1).
Genome position (GRCh38, 1-based): chr19:40,396,638, C>T on the plus strand (G>A on the coding strand, the complement: PRX is on the minus strand). VCF-style: chr19-40396638-C-T. GRCh37 (hg19) VCF-style: chr19-40902545-C-T.
Other names: c.*1919G>A (NM_020956.2); short protein forms V572M.
Identifiers: ClinVar variation 543409 (VCV000543409.7), dbSNP rs370979792, ClinGen allele CA9444210.
Genomic context (GRCh38, chr19:40,396,638, plus strand): 5'-CAGGCACCTTTGGAAGCTTCATCTCAGGGACTTTCATCTCTGGCACTTTCGGCAGCTGCA[C>T]CTCTGGAAGCCGCACCTCTGGCACAGCCACCTCTGACACCTCTGGGAGTTTCATCTCTGA-3'
Protein context (NP_870998.2, residues 562-582): VAVPEVRLPE[Val572Met]QLPKVPEMKV

ClinVar aggregate classification (germline): Uncertain significance. Review status: criteria provided, multiple submitters, no conflicts (2 of 4 stars). 3 submissions from 3 submitters: Uncertain significance (3). Last evaluated 2023-03-22.

Conditions:
Inborn genetic diseases. Identifiers: MedGen C0950123, MeSH D030342.
Charcot-Marie-Tooth disease. Also called: Charcot-Marie-Tooth Neuropathy; Charcot-Marie-Tooth Hereditary Neuropathy. Identifiers: Orphanet 166, MedGen C0007959, MONDO:0015626.
Charcot-Marie-Tooth disease type 4. Also called: Charcot-Marie-Tooth, Type 4; Charcot-Marie-Tooth disease, type IV. Identifiers: Orphanet 64749, MedGen C4082197, MONDO:0018995.

Allele frequency attached by ClinVar (database versions not stated): gnomAD exomes below 0.00001 and 0.00003; ExAC 0.00001; TOPMed 0.00002; gnomAD 0.00003; ESP Exome Variant Server 0.00008.
gnomAD v4.1: 46 of 1,613,946 alleles (0.0029%); highest among the groups gnomAD compares: Non-Finnish European, 0.0037%; no homozygotes.

Submissions (3):

Ambry Genetics
Classification: Uncertain significance for Inborn genetic diseases. Last evaluated: 2023-03-22. Review status: criteria provided, single submitter. Criteria: Ambry Variant Classification Scheme 2023. Collection method: clinical testing. Allele origin: germline.

Labcorp Genetics (formerly Invitae), Labcorp
Classification: Uncertain significance for Charcot-Marie-Tooth disease type 4. Last evaluated: 2022-07-19. Review status: criteria provided, single submitter. Criteria: Invitae Variant Classification Sherloc (09022015). Collection method: clinical testing. Allele origin: germline.
Comment: This variant is present in population databases (rs370979792, gnomAD 0.0009%). In summary, the available evidence is currently insufficient to determine the role of this variant in disease. Therefore, it has been classified as a Variant of Uncertain Significance. Algorithms developed to predict the effect of missense changes on protein structure and function are either unavailable or do not agree on the potential impact of this missense change (SIFT: "Deleterious"; PolyPhen-2: "Possibly Damaging"; Align-GVGD: "Class C0"). ClinVar contains an entry for this variant (Variation ID: 543409). This variant has not been reported in the literature in individuals affected with PRX-related conditions. This sequence change replaces valine, which is neutral and non-polar, with methionine, which is neutral and non-polar, at codon 572 of the PRX protein (p.Val572Met).

Molecular Genetics Laboratory, London Health Sciences Centre
Classification: Uncertain significance for Charcot-Marie-Tooth disease. Review status: criteria provided, single submitter. Criteria: ACMG Guidelines, 2015. Collection method: clinical testing. Allele origin: germline. Affected: yes.

Literature cited by the submitters: PubMed 25614874 (cited by Ambry Genetics).